The following is an entry in ClinVar:

NM_198578.4(LRRK2):c.869A>G (p.Glu290Gly)

Gene: LRRK2 (leucine rich repeat kinase 2; plus strand). Cytogenetic location: 12q12.
Variant type: single nucleotide variant.
Coding change: c.869A>G on transcript NM_198578.4 (MANE Select); coding-DNA position 869, A replaced by G.
Protein change: p.Glu290Gly; replaces glutamic acid 290 with glycine.
Molecular consequence: missense variant.
Genome position (GRCh38, 1-based): chr12:40,249,856, A>G. VCF-style: chr12-40249856-A-G. GRCh37 (hg19) VCF-style: chr12-40643658-A-G.
Other names: short protein forms E290G.
Identifiers: ClinVar variation 1764332 (VCV001764332.2), dbSNP rs538026154, ClinGen allele CA235356641.
Genomic context (GRCh38, chr12:40,249,856, plus strand): 5'-AATTCAGCTAATGTTTCACTTAACTTTTAGGTAATTTTTTCAATATCCTGGTATTAAACG[A>G]AGTCCATGAGTTTGTGGTGAAAGCTGTGCAGCAGTACCCAGAGAATGCAGCATTGCAGAT-3'
Protein context (NP_940980.4, residues 280-300): GNFFNILVLN[Glu290Gly]VHEFVVKAVQ

ClinVar aggregate classification (germline): Uncertain significance (1 of 4 stars; one submission).

Conditions:
Inborn genetic diseases. Identifiers: MedGen C0950123, MeSH D030342.

Allele frequency attached by ClinVar (database versions not stated): gnomAD 0.00001; 1000 Genomes Project 30x 0.00016; 1000 Genomes Project 0.00020.
gnomAD v4.1: 2 of 1,613,864 alleles (0.00012%); highest among the groups gnomAD compares: South Asian, 0.0022%; no homozygotes.

Submission:

Ambry Genetics
Classification: Uncertain significance for Inborn genetic diseases. Last evaluated: 2024-03-23. Review status: criteria provided, single submitter. Criteria: Ambry Variant Classification Scheme 2023. Collection method: clinical testing. Allele origin: germline.
Comment: The p.E290G variant (also known as c.869A>G), located in coding exon 8 of the LRRK2 gene, results from an A to G substitution at nucleotide position 869. The glutamic acid at codon 290 is replaced by glycine, an amino acid with similar properties. This amino acid position is conserved. In addition, this alteration is predicted to be tolerated by in silico analysis. Since supporting evidence is limited at this time, the clinical significance of this alteration remains unclear.